The following is an entry in ClinVar:

ClinVar aggregate classification (germline): Likely benign. Review status: criteria provided, multiple submitters, no conflicts (2 of 4 stars). 2 submissions from 2 submitters: Likely benign (2). Last evaluated 2026-03-24.

Conditions:
GRIA3-related disorder. Also called: GRIA3-related condition.

Allele frequency attached by ClinVar (database versions not stated): gnomAD 0.00003; gnomAD exomes 0.00006; ExAC 0.00007; TOPMed 0.00013.
gnomAD v4.1: 18 of 1,202,818 alleles (0.0015%); highest among the groups gnomAD compares: African/African-American, 0.014%; no homozygotes.

Submissions (2):

PreventionGenetics, part of Exact Sciences
Classification: Likely benign for GRIA3-related condition. Last evaluated: 2026-03-24. Review status: criteria provided, single submitter. Criteria: ACMG Guidelines, 2015. Collection method: clinical testing. Allele origin: germline.
Comment: This variant is classified as likely benign based on ACMG/AMP sequence variant interpretation guidelines (Richards et al. 2015 PMID: 25741868, with internal and published modifications).

Labcorp Genetics (formerly Invitae), Labcorp
Classification: Likely benign. Last evaluated: 2025-09-02. Review status: criteria provided, single submitter. Criteria: Invitae Variant Classification Sherloc (09022015). Collection method: clinical testing. Allele origin: germline.

NM_007325.5(GRIA3):c.2619C>T (p.Asn873=)

Gene: GRIA3 (glutamate ionotropic receptor AMPA type subunit 3; plus strand). Cytogenetic location: Xq25.
Variant type: single nucleotide variant.
Coding change: c.2619C>T on transcript NM_007325.5 (MANE Select); coding-DNA position 2619, C replaced by T.
Protein change: p.Asn873=; no amino-acid change (asparagine 873 retained).
Molecular consequence: synonymous variant.
Genome position (GRCh38, 1-based): chrX:123,482,978, C>T. VCF-style: chrX-123482978-C-T. GRCh37 (hg19) VCF-style: chrX-122616829-C-T.
Other names: c.2619C>T (NM_000828.4); c.2619C>T, p.Asn873= (NM_000828.5).
Identifiers: ClinVar variation 1633057 (VCV001633057.9), dbSNP rs771170173, ClinGen allele CA10507202.